The following is an entry in ClinVar:

ClinVar aggregate classification (germline): Uncertain significance. Review status: criteria provided, multiple submitters, no conflicts (2 of 4 stars). 2 submissions from 2 submitters: Uncertain significance (2). Last evaluated 2026-09-22.

gnomAD v4.1: 108 of 1,605,680 alleles (0.0067%); highest among the groups gnomAD compares: Admixed American, 0.028%; no homozygotes.

Submissions (2):

GeneDx
Classification: Uncertain significance. Last evaluated: 2026-09-22. Review status: criteria provided, single submitter. Criteria: GeneDx Variant Classification Process June 2021. Collection method: clinical testing. Allele origin: germline.
Comment: In silico analysis supports a deleterious effect on splicing; Has not been previously published as pathogenic or benign to our knowledge

Labcorp Genetics (formerly Invitae), Labcorp
Classification: Uncertain significance. Last evaluated: 2025-12-19. Review status: criteria provided, single submitter. Criteria: Invitae Variant Classification Sherloc (09022015). Collection method: clinical testing. Allele origin: germline.
Comment: This sequence change falls in intron 1 of the PDGFB gene. It does not directly change the encoded amino acid sequence of the PDGFB protein. This variant is present in population databases (rs746696824, gnomAD 0.04%). This variant has not been reported in the literature in individuals affected with PDGFB-related conditions. ClinVar contains an entry for this variant (Variation ID: 3764420). Algorithms developed to predict the effect of sequence changes on RNA splicing suggest that this variant may create or strengthen a splice site. In summary, the available evidence is currently insufficient to determine the role of this variant in disease. Therefore, it has been classified as a Variant of Uncertain Significance.

NM_002608.4(PDGFB):c.64-5G>A

Gene: PDGFB (platelet derived growth factor subunit B; minus strand). Cytogenetic location: 22q13.1.
Variant type: single nucleotide variant.
Coding change: c.64-5G>A on transcript NM_002608.4 (MANE Select); 5 bases into the intron before coding-DNA position 64, G replaced by A.
Molecular consequence: intron variant.
Genome position (GRCh38, 1-based): chr22:39,235,879, C>T on the plus strand (G>A on the coding strand, the complement: PDGFB is on the minus strand). VCF-style: chr22-39235879-C-T. GRCh37 (hg19) VCF-style: chr22-39631884-C-T.
Other names: c.19-5G>A (NM_033016.3).
Identifiers: ClinVar variation 3764420 (VCV003764420.3).